The following is an entry in ClinVar:

NM_021956.5(GRIK2):c.687T>C (p.Asp229=)

Gene: GRIK2 (glutamate ionotropic receptor kainate type subunit 2; plus strand). Cytogenetic location: 6q16.3.
Variant type: single nucleotide variant.
Coding change: c.687T>C on transcript NM_021956.5 (MANE Select); coding-DNA position 687, T replaced by C.
Protein change: p.Asp229=; no amino-acid change (aspartic acid 229 retained).
Molecular consequence: synonymous variant.
Genome position (GRCh38, 1-based): chr6:101,676,768, T>C. VCF-style: chr6-101676768-T-C. GRCh37 (hg19) VCF-style: chr6-102124643-T-C.
Other names: c.687T>C, p.Asp229= (NM_001166247.1, NM_175768.3).
Identifiers: ClinVar variation 3256969 (VCV003256969.17).
Genomic context (GRCh38, chr6:101,676,768, plus strand): 5'-GGATGCAAAACCCTTACTAAAAGAAATGAAAAGAGGCAAGGAGTTTCATGTAATCTTTGA[T>C]TGTAGCCATGAAATGGCAGCAGGCATTTTAAAACAGGTAACCTTTAAATTACTTCAATTC-3'
Protein context (NP_068775.1, residues 219-239): KRGKEFHVIF[Asp229=]CSHEMAAGIL

ClinVar aggregate classification (germline): Likely benign (1 of 4 stars; one submission).

gnomAD v4.1: 79 of 1,606,488 alleles (0.0049%); highest among the groups gnomAD compares: East Asian, 0.029%; no homozygotes.

Submission:

CeGaT Center for Human Genetics Tuebingen
Classification: Likely benign. Last evaluated: 2024-07-01. Review status: criteria provided, single submitter. Criteria: CeGaT Center For Human Genetics Tuebingen Variant Classification Criteria Version 2. Collection method: clinical testing. Allele origin: germline. Affected: yes. Observed: 1 variant allele.
Comment: GRIK2: BP4, BP7